The following is an entry in ClinVar:

NM_001145073.3(USP27X):c.972_978del (p.Thr325fs)

Gene: USP27X (ubiquitin specific peptidase 27 X-linked; plus strand). Cytogenetic location: Xp11.23.
Variant type: Deletion.
Coding change: c.972_978del on transcript NM_001145073.3 (MANE Select); coding-DNA positions 972 to 978, 7 bases deleted (TACATAC; older notation c.972_978delTACATAC).
Protein change: p.Thr325fs; shifts the reading frame from threonine 325.
Molecular consequence: frameshift variant.
Genome position (GRCh38, 1-based): chrX:49,881,279-49,881,285, TACATAC deleted; deleting any 7 consecutive bases within chrX:49,881,277-49,881,285 gives the same sequence; the c. name uses the placement nearest the transcript's 3' end. VCF-style (leftmost placement, unchanged base first): chrX-49881276-CACTACAT-C. GRCh37 (hg19) VCF-style: chrX-49645879-CACTACAT-C.
Other names: short protein forms T325fs.
Identifiers: ClinVar variation 3030001 (VCV003030001.3), dbSNP rs2519167495, ClinGen allele CA2740092152.

ClinVar aggregate classification (germline): Likely pathogenic (1 of 4 stars; one submission).

Conditions:
USP27X-related disorder. Also called: USP27X-related condition.

Submission:

PreventionGenetics, part of Exact Sciences
Classification: Likely pathogenic for USP27X-related condition. Last evaluated: 2026-05-13. Review status: criteria provided, single submitter. Criteria: ACMG Guidelines, 2015. Collection method: clinical testing. Allele origin: germline.
Comment: The USP27X c.972_978del7 variant is predicted to result in a frameshift and premature protein termination (p.Thr325Phefs*9). To our knowledge, this variant has not been reported in the literature or in a large population database (gnomAD), indicating this variant is rare. Frameshift variants in USP27X are expected to be pathogenic; protein-truncating variants in USP27X have been reported to segregate with disease within families (Koch et al. 2024. PMID: 38182161; Hu et al. 2015. PMID: 25644381). This variant is interpreted as likely pathogenic.